The following is an entry in ClinVar:

ClinVar aggregate classification (germline): Pathogenic. Review status: criteria provided, multiple submitters, no conflicts (2 of 4 stars). 2 submissions from 2 submitters: Pathogenic (2). Last evaluated 2025-11-18.

Conditions:
Nephronophthisis. Also called: Juvenile Nephronophthisis. Identifiers: Orphanet 655, MedGen C0687120, MONDO:0019005, HP:0000090.
NPHP3-related disorder. Also called: NPHP3-related disorders; NPHP3-related condition. Identifiers: MedGen CN379163.

Submissions (2):

3billion
Classification: Pathogenic for NPHP3-related disorder. Last evaluated: 2025-11-18. Review status: criteria provided, single submitter. Criteria: ACMG Guidelines, 2015. Collection method: clinical testing. Allele origin: germline. Affected: yes.
Comment: The variant is observed at an extremely low frequency in the gnomAD v4.1.0 dataset (total allele frequency: <0.001%). Predicted Consequence/Location: Frameshift: predicted to result in a loss or disruption of normal protein function through nonsense-mediated decay (NMD) or protein truncation. Multiple pathogenic variants are reported downstream of the variant. The variant has been reported to be associated with NPHP3-related disorder (ClinVar ID: VCV002200352). Therefore, this variant is classified as Pathogenic according to the recommendation of ACMG/AMP guideline.

Labcorp Genetics (formerly Invitae), Labcorp
Classification: Pathogenic for Nephronophthisis. Last evaluated: 2022-07-25. Review status: criteria provided, single submitter. Criteria: Invitae Variant Classification Sherloc (09022015). Collection method: clinical testing. Allele origin: germline.
Comment: For these reasons, this variant has been classified as Pathogenic. This variant has not been reported in the literature in individuals affected with NPHP3-related conditions. This variant is present in population databases (rs750728720, gnomAD 0.004%). This sequence change creates a premature translational stop signal (p.Leu365Tyrfs*14) in the NPHP3 gene. It is expected to result in an absent or disrupted protein product. Loss-of-function variants in NPHP3 are known to be pathogenic (PMID: 18371931, 23559409).

Literature cited by the submitters: PubMed 18371931 (cited by Labcorp Genetics (formerly Invitae), Labcorp); PubMed 23559409 (cited by Labcorp Genetics (formerly Invitae), Labcorp).

NM_153240.5(NPHP3):c.1094_1098del (p.Leu365fs)

Genes: NPHP3 (nephrocystin 3; minus strand), NPHP3-ACAD11 (NPHP3-ACAD11 readthrough (NMD candidate); minus strand). Cytogenetic location: 3q22.1.
Variant type: Microsatellite.
Coding change: c.1094_1098del on transcript NM_153240.5 (MANE Select); coding-DNA positions 1094 to 1098, 5 bases deleted (TATTT; older notation c.1094_1098delTATTT).
Protein change: p.Leu365fs; shifts the reading frame from leucine 365.
Molecular consequence: frameshift variant. On other transcripts: non-coding transcript variant (1).
Genome position (GRCh38, 1-based): chr3:132,713,146-132,713,150, AAATA deleted on the plus strand (TATTT on the coding strand, the reverse complement: NPHP3 is on the minus strand); deleting any 5 consecutive bases within chr3:132,713,146-132,713,156 gives the same sequence; the c. name uses the placement nearest the transcript's 3' end. VCF-style (leftmost placement, unchanged base first): chr3-132713145-TAAATA-T. GRCh37 (hg19) VCF-style: chr3-132431989-TAAATA-T.
Other names: short protein forms L365fs.
Identifiers: ClinVar variation 2200352 (VCV002200352.5), dbSNP rs750728720, ClinGen allele CA2622424.